The following is an entry in ClinVar:

ClinVar aggregate classification (germline): Uncertain significance (1 of 4 stars; one submission).

Conditions:
Familial thoracic aortic aneurysm and aortic dissection (TAAD). Also called: Thoracic aortic aneurysms and dissections. Identifiers: Orphanet 91387, MedGen C4707243, MONDO:0019625.

Submission:

Ambry Genetics
Classification: Uncertain significance for Familial thoracic aortic aneurysm and aortic dissection. Last evaluated: 2026-07-02. Review status: criteria provided, single submitter. Criteria: Ambry Variant Classification Scheme 2023. Collection method: clinical testing. Allele origin: germline.
Comment: The p.A209S variant (also known as c.625G>T), located in coding exon 7 of the COL3A1 gene, results from a G to T substitution at nucleotide position 625. The alanine at codon 209 is replaced by serine, an amino acid with similar properties. This amino acid position is conserved. In addition, the in silico prediction for this alteration is inconclusive. Based on the available evidence, the clinical significance of this variant remains unclear.

NM_000090.4(COL3A1):c.625G>T (p.Ala209Ser)

Gene: COL3A1 (collagen type III alpha 1 chain; plus strand). Cytogenetic location: 2q32.2.
Variant type: single nucleotide variant.
Coding change: c.625G>T on transcript NM_000090.4 (MANE Select); coding-DNA position 625, G replaced by T.
Protein change: p.Ala209Ser; replaces alanine 209 with serine.
Molecular consequence: missense variant.
Genome position (GRCh38, 1-based): chr2:188,988,632, G>T. VCF-style: chr2-188988632-G-T. GRCh37 (hg19) VCF-style: chr2-189853358-G-T.
Other names: short protein forms A209S.
Identifiers: ClinVar variation 5034751 (VCV005034751.1).